The following is an entry in ClinVar:

ClinVar aggregate classification (germline): Uncertain significance (1 of 4 stars; one submission).

gnomAD v4.1: 1 of 1,614,048 alleles (0.000062%); highest among the groups gnomAD compares: Non-Finnish European, 0.000085%; no homozygotes.

Submission:

Labcorp Genetics (formerly Invitae), Labcorp
Classification: Uncertain significance. Last evaluated: 2025-12-11. Review status: criteria provided, single submitter. Criteria: Invitae Variant Classification Sherloc (09022015). Collection method: clinical testing. Allele origin: germline.
Comment: This sequence change replaces serine, which is neutral and polar, with alanine, which is neutral and non-polar, at codon 740 of the VCAN protein (p.Ser740Ala). This variant is not present in population databases (gnomAD no frequency). This variant has not been reported in the literature in individuals affected with VCAN-related conditions. An algorithm developed to predict the effect of missense changes on protein structure and function outputs the following: PolyPhen-2: "Benign". The alanine amino acid residue is found in multiple mammalian species, which suggests that this missense change does not adversely affect protein function. In summary, the available evidence is currently insufficient to determine the role of this variant in disease. Therefore, it has been classified as a Variant of Uncertain Significance.

NM_004385.5(VCAN):c.2218T>G (p.Ser740Ala)

Gene: VCAN (versican; plus strand). Cytogenetic location: 5q14.3.
Variant type: single nucleotide variant.
Coding change: c.2218T>G on transcript NM_004385.5 (MANE Select); coding-DNA position 2218, T replaced by G.
Protein change: p.Ser740Ala; replaces serine 740 with alanine.
Molecular consequence: missense variant. On other transcripts: intron variant (2).
Genome position (GRCh38, 1-based): chr5:83,520,524, T>G. VCF-style: chr5-83520524-T-G. GRCh37 (hg19) VCF-style: chr5-82816343-T-G.
Other names: c.2218T>G, p.Ser740Ala (NM_001164098.2); c.1042+8128T>G (NM_001164097.2, NM_001126336.3); short protein forms S740A.
Identifiers: ClinVar variation 4733035 (VCV004733035.1).
Genomic context (GRCh38, chr5:83,520,524, plus strand): 5'-GTCTTCTCTGGGATGAAACTCTCTACATCTCTCTCAGAGCCAATTCATGTTACAGAGTCT[T>G]CTGTGGAAATGACCAAGTCTTTTGATTTCCCAACATTGATAACAAAGTTAAGTGCAGAGC-3'
Protein context (NP_004376.2, residues 730-750): LSEPIHVTES[Ser740Ala]VEMTKSFDFP